The following is an entry in ClinVar:

NM_000136.3(FANCC):c.697T>A (p.Ser233Thr)

Genes: AOPEP (aminopeptidase O (putative); plus strand), FANCC (FA complementation group C; minus strand). Cytogenetic location: 9q22.32.
Variant type: single nucleotide variant.
Coding change: c.697T>A on transcript NM_000136.3 (MANE Select); coding-DNA position 697, T replaced by A.
Protein change: p.Ser233Thr; replaces serine 233 with threonine.
Molecular consequence: missense variant.
Genome position (GRCh38, 1-based): chr9:95,135,492, A>T on the plus strand (T>A on the coding strand, the complement: FANCC is on the minus strand). VCF-style: chr9-95135492-A-T. GRCh37 (hg19) VCF-style: chr9-97897774-A-T.
Other names: c.697T>A, p.Ser233Thr (NM_001243743.2, NM_001243744.2); short protein forms S233T.
Identifiers: ClinVar variation 1756426 (VCV001756426.2), dbSNP rs1827537931, ClinGen allele CA374109472.

ClinVar aggregate classification (germline): Uncertain significance (1 of 4 stars; one submission).

Conditions:
Hereditary cancer-predisposing syndrome. Also called: Neoplastic Syndromes, Hereditary; Tumor predisposition; Hereditary Cancer Syndrome; Hereditary neoplastic syndrome. Identifiers: Orphanet 140162, MedGen C0027672, MeSH D009386, MONDO:0015356.

Submission:

Ambry Genetics
Classification: Uncertain significance for Hereditary cancer-predisposing syndrome. Last evaluated: 2022-08-08. Review status: criteria provided, single submitter. Criteria: Ambry Variant Classification Scheme 2023. Collection method: clinical testing. Allele origin: germline.
Comment: The p.S233T variant (also known as c.697T>A), located in coding exon 7 of the FANCC gene, results from a T to A substitution at nucleotide position 697. The serine at codon 233 is replaced by threonine, an amino acid with similar properties. This amino acid position is conserved. In addition, this alteration is predicted to be tolerated by in silico analysis. Since supporting evidence is limited at this time, the clinical significance of this alteration remains unclear.